The following is an entry in ClinVar:

ClinVar aggregate classification (germline): Uncertain significance. Review status: criteria provided, multiple submitters, no conflicts (2 of 4 stars). 2 submissions from 2 submitters: Uncertain significance (2). Last evaluated 2026-04-24.

Conditions:
BBS10-related disorder. Also called: BBS10-related condition.
Bardet-Biedl syndrome (BBS). Identifiers: Orphanet 110, MedGen C0752166, MONDO:0015229.

Allele frequency attached by ClinVar (database versions not stated): gnomAD exomes 0.00001 and 0.00002; TOPMed 0.00001; ExAC 0.00002.

Submissions (2):

PreventionGenetics, part of Exact Sciences
Classification: Uncertain significance for BBS10-related condition. Last evaluated: 2026-04-24. Review status: criteria provided, single submitter. Criteria: ACMG Guidelines, 2015. Collection method: clinical testing. Allele origin: germline.
Comment: The BBS10 c.1607A>G variant is predicted to result in the amino acid substitution p.Tyr536Cys. To our knowledge, this variant has not been reported in the literature. This variant is reported in 0.014% of alleles in individuals of Latino descent in gnomAD. At this time, the clinical significance of this variant is uncertain due to the absence of conclusive functional and genetic evidence.

Labcorp Genetics (formerly Invitae), Labcorp
Classification: Uncertain significance for Bardet-Biedl syndrome. Last evaluated: 2024-08-30. Review status: criteria provided, single submitter. Criteria: Invitae Variant Classification Sherloc (09022015). Collection method: clinical testing. Allele origin: germline.
Comment: This sequence change replaces tyrosine, which is neutral and polar, with cysteine, which is neutral and slightly polar, at codon 536 of the BBS10 protein (p.Tyr536Cys). This variant is present in population databases (rs765785183, gnomAD 0.01%). This variant has not been reported in the literature in individuals affected with BBS10-related conditions. ClinVar contains an entry for this variant (Variation ID: 1426576). Invitae Evidence Modeling of protein sequence and biophysical properties (such as structural, functional, and spatial information, amino acid conservation, physicochemical variation, residue mobility, and thermodynamic stability) indicates that this missense variant is not expected to disrupt BBS10 protein function with a negative predictive value of 80%. In summary, the available evidence is currently insufficient to determine the role of this variant in disease. Therefore, it has been classified as a Variant of Uncertain Significance.

NM_024685.4(BBS10):c.1607A>G (p.Tyr536Cys)

Gene: BBS10 (Bardet-Biedl syndrome 10; minus strand). Cytogenetic location: 12q21.2.
Variant type: single nucleotide variant.
Coding change: c.1607A>G on transcript NM_024685.4 (MANE Select); coding-DNA position 1607, A replaced by G.
Protein change: p.Tyr536Cys; replaces tyrosine 536 with cysteine.
Molecular consequence: missense variant.
Genome position (GRCh38, 1-based): chr12:76,346,378, T>C on the plus strand (A>G on the coding strand, the complement: BBS10 is on the minus strand). VCF-style: chr12-76346378-T-C. GRCh37 (hg19) VCF-style: chr12-76740158-T-C.
Other names: c.1607A>G (NM_024685.3); short protein forms Y536C.
Identifiers: ClinVar variation 1426576 (VCV001426576.6), dbSNP rs765785183, ClinGen allele CA6694138.
Genomic context (GRCh38, chr12:76,346,378, plus strand): 5'-TCTATTCTATTTCCCCTTGTTGAATAAGCAGTGGAATTGTTCTTGAGTAATGGTTCATAA[T>C]AATCAGTTAGCCTGTTTCTTTCCAAAGACAAACATGTCAGCGTTTCAACTGTTTGGAATG-3'
Protein context (NP_078961.3, residues 526-546): LSLERNRLTD[Tyr536Cys]YEPLLKNNST